The following is an entry in ClinVar:

NM_001184.4(ATR):c.2482A>G (p.Ile828Val)

Gene: ATR (ATR checkpoint kinase; minus strand). Cytogenetic location: 3q23.
Variant type: single nucleotide variant.
Coding change: c.2482A>G on transcript NM_001184.4 (MANE Select); coding-DNA position 2482, A replaced by G.
Protein change: p.Ile828Val; replaces isoleucine 828 with valine.
Molecular consequence: missense variant.
Genome position (GRCh38, 1-based): chr3:142,553,875, T>C on the plus strand (A>G on the coding strand, the complement: ATR is on the minus strand). VCF-style: chr3-142553875-T-C. GRCh37 (hg19) VCF-style: chr3-142272717-T-C.
Other names: c.2290A>G, p.Ile764Val (NM_001354579.2); short protein forms I764V, I828V.
Identifiers: ClinVar variation 1791938 (VCV001791938.2), dbSNP rs2473385614, ClinGen allele CA354816482.

ClinVar aggregate classification (germline): Uncertain significance (1 of 4 stars; one submission).

Conditions:
Inborn genetic diseases. Identifiers: MedGen C0950123, MeSH D030342.

gnomAD v4.1: 1 of 1,613,652 alleles (0.000062%); no homozygotes.

Submission:

Ambry Genetics
Classification: Uncertain significance for Inborn genetic diseases. Last evaluated: 2021-11-14. Review status: criteria provided, single submitter. Criteria: Ambry Variant Classification Scheme 2023. Collection method: clinical testing. Allele origin: germline.
Comment: The p.I828V variant (also known as c.2482A>G), located in coding exon 11 of the ATR gene, results from an A to G substitution at nucleotide position 2482. The isoleucine at codon 828 is replaced by valine, an amino acid with highly similar properties. This amino acid position is conserved. In addition, this alteration is predicted to be tolerated by in silico analysis. Since supporting evidence is limited at this time, the clinical significance of this alteration remains unclear.